The following is an entry in ClinVar:

ClinVar aggregate classification (germline): Uncertain significance (1 of 4 stars; one submission).

Conditions:
MEGF10-related myopathy (CMYO10A). Also called: Congenital myopathy 10A, severe variant. Identifiers: Orphanet 439212, MedGen C3280679, MONDO:0013731, OMIM 614399.

Allele frequency attached by ClinVar (database versions not stated): gnomAD 0.00003; TOPMed 0.00006; ExAC 0.00007; ESP Exome Variant Server 0.00015; 1000 Genomes Project 30x 0.00016; 1000 Genomes Project 0.00020.
gnomAD v4.1: 60 of 1,614,126 alleles (0.0037%); highest among the groups gnomAD compares: Admixed American, 0.0017%; no homozygotes.

Submission:

Labcorp Genetics (formerly Invitae), Labcorp
Classification: Uncertain significance for MEGF10-related myopathy. Last evaluated: 2022-08-05. Review status: criteria provided, single submitter. Criteria: Invitae Variant Classification Sherloc (09022015). Collection method: clinical testing. Allele origin: germline.
Comment: This sequence change replaces glycine, which is neutral and non-polar, with arginine, which is basic and polar, at codon 393 of the MEGF10 protein (p.Gly393Arg). This variant is present in population databases (rs150523119, gnomAD 0.2%). This variant has not been reported in the literature in individuals affected with MEGF10-related conditions. Algorithms developed to predict the effect of missense changes on protein structure and function (SIFT, PolyPhen-2, Align-GVGD) all suggest that this variant is likely to be disruptive. In summary, the available evidence is currently insufficient to determine the role of this variant in disease. Therefore, it has been classified as a Variant of Uncertain Significance.

NM_001256545.2(MEGF10):c.1177G>A (p.Gly393Arg)

Gene: MEGF10 (multiple EGF like domains 10; plus strand). Cytogenetic location: 5q23.2.
Variant type: single nucleotide variant.
Coding change: c.1177G>A on transcript NM_001256545.2 (MANE Select); coding-DNA position 1177, G replaced by A.
Protein change: p.Gly393Arg; replaces glycine 393 with arginine.
Molecular consequence: missense variant.
Genome position (GRCh38, 1-based): chr5:127,417,684, G>A. VCF-style: chr5-127417684-G-A. GRCh37 (hg19) VCF-style: chr5-126753376-G-A.
Other names: c.1177G>A, p.Gly393Arg (NM_001308119.2, NM_001308121.2, NM_032446.3); short protein forms G393R.
Identifiers: ClinVar variation 2064159 (VCV002064159.1), dbSNP rs150523119, ClinGen allele CA3391520.